The following is an entry in ClinVar:

ClinVar aggregate classification (germline): Conflicting classifications of pathogenicity. Review status: criteria provided, conflicting classifications (1 of 4 stars). 9 submissions from 9 submitters: Uncertain significance (1); Likely benign (6). 2 of the submissions do not count toward it. Last evaluated 2026-03-23.

Conditions:
Cardiovascular phenotype. Identifiers: MedGen CN230736.
MYBPC3-related disorder. Also called: MYBPC3-related disorders; MYBPC3-related condition; MYBPC3-related disease.
Cardiomyopathy (CMYO). Also called: Cardiomyopathies. Identifiers: Orphanet 167848, MedGen C0878544, MONDO:0004994, HP:0001638. Inheritance: Various modes of inheritance.
Hypertrophic cardiomyopathy. Also called: HYPERTROPHIC MYOCARDIOPATHY. Identifiers: Orphanet 217569, MedGen C0007194, MeSH D002312, MONDO:0005045, HP:0001639.

Allele frequency attached by ClinVar (database versions not stated): gnomAD exomes 0.00001; ExAC 0.00002; gnomAD 0.00002; TOPMed 0.00002.

Submissions (9):

PreventionGenetics, part of Exact Sciences
Classification: Likely benign for MYBPC3-related condition. Last evaluated: 2026-03-23. Review status: criteria provided, single submitter. Criteria: ACMG Guidelines, 2015. Collection method: clinical testing. Allele origin: germline.
Comment: This variant is classified as likely benign based on ACMG/AMP sequence variant interpretation guidelines (Richards et al. 2015 PMID: 25741868, with internal and published modifications).

Labcorp Genetics (formerly Invitae), Labcorp
Classification: Likely benign for Hypertrophic cardiomyopathy. Last evaluated: 2025-12-31. Review status: criteria provided, single submitter. Criteria: Invitae Variant Classification Sherloc (09022015). Collection method: clinical testing. Allele origin: germline.

All of Us Research Program, National Institutes of Health
Classification: Likely benign for Hypertrophic cardiomyopathy. Last evaluated: 2024-09-23. Review status: criteria provided, single submitter. Criteria: ACMG Guidelines, 2015. Collection method: clinical testing. Allele origin: germline. Inheritance: Autosomal dominant inheritance. Observed: 6 variant alleles, 6 heterozygotes.
Comment: This study involves interpretation of variants in research participants for the purpose of population health screening. Participant phenotype was not available at the time of variant classification. Additional details can be found in publication PMID: 35346344, PMCID: PMC8962531

Ambry Genetics
Classification: Likely benign for Cardiovascular phenotype. Last evaluated: 2019-05-31. Review status: criteria provided, single submitter. Criteria: Ambry Variant Classification Scheme 2023. Collection method: clinical testing. Allele origin: germline.

Color Diagnostics, LLC DBA Color Health
Classification: Likely benign for Cardiomyopathy. Last evaluated: 2019-01-06. Review status: criteria provided, single submitter. Criteria: ACMG Guidelines, 2015. Collection method: clinical testing. Allele origin: germline.

CHEO Genetics Diagnostic Laboratory, Children's Hospital of Eastern Ontario
Classification: Uncertain significance for Cardiomyopathy. Last evaluated: 2015-11-19. Review status: criteria provided, single submitter. Criteria: ACMG Guidelines, 2015. Collection method: clinical testing. Allele origin: germline. Study: Canadian Open Genetics Repository.

Laboratory for Molecular Medicine, Mass General Brigham Personalized Medicine
Classification: Likely benign. Last evaluated: 2013-08-07. Review status: criteria provided, single submitter. Criteria: LMM Criteria. Collection method: clinical testing. Allele origin: germline. Observed: 1 variant allele.
Comment: Thr959Thr in exon 27 of the MYBPC3 gene: This variant does not alter an amino ac id residue and is not located within the conserved splice consensus sequence. Co mputational tools predict the creation of a novel splice site but their accuracy is unknown. In summary, this variant is more likely benign though a role in dis ease cannot be fully excluded.

Clinical Genetics, Academic Medical Center
Classification: Uncertain significance. Review status: no assertion criteria provided. Collection method: clinical testing. Allele origin: germline. Affected: yes. Study: VKGL Data-share Consensus. Not counted in ClinVar's aggregate classification.

Genome Diagnostics Laboratory, University Medical Center Utrecht
Classification: Uncertain significance. Review status: no assertion criteria provided. Collection method: clinical testing. Allele origin: germline. Affected: yes. Study: VKGL Data-share Consensus. Not counted in ClinVar's aggregate classification.

NM_000256.3(MYBPC3):c.2877G>A (p.Thr959=)

Gene: MYBPC3 (myosin binding protein C3; minus strand). Cytogenetic location: 11p11.2.
Variant type: single nucleotide variant.
Coding change: c.2877G>A on transcript NM_000256.3 (MANE Select); coding-DNA position 2877, G replaced by A.
Protein change: p.Thr959=; no amino-acid change (threonine 959 retained).
Molecular consequence: synonymous variant.
Genome position (GRCh38, 1-based): chr11:47,335,070, C>T on the plus strand (G>A on the coding strand, the complement: MYBPC3 is on the minus strand). VCF-style: chr11-47335070-C-T. GRCh37 (hg19) VCF-style: chr11-47356621-C-T.
Identifiers: ClinVar variation 164058 (VCV000164058.22), dbSNP rs727503181, ClinGen allele CA013105.